The following is an entry in ClinVar:

ClinVar aggregate classification (germline): Conflicting classifications of pathogenicity. Review status: criteria provided, conflicting classifications (1 of 4 stars). 6 submissions from 5 submitters: Uncertain significance (1); Benign (5). Last evaluated 2023-11-14.

Conditions:
Pityriasis rubra pilaris (PRP). Also called: Pityriasis rubra pilaris--familial type. Identifiers: Orphanet 2897, MedGen C0032027, MONDO:0100017, OMIM 173200, MONDO:0008251.
Psoriasis 2. Identifiers: MedGen C1864497, MONDO:0011269, OMIM 602723.

Allele frequency attached by ClinVar (database versions not stated): gnomAD exomes 0.77525; 1000 Genomes Project 30x 0.79482; 1000 Genomes Project 0.79493; TOPMed 0.80541; ExAC 0.84412; ESP Exome Variant Server 0.85442.
gnomAD v4.1: 1,209,889 of 1,476,342 alleles (82%); highest among the groups gnomAD compares: Middle Eastern, 90%; 497,692 homozygotes.

Submissions (6):

Unidad de Genómica Garrahan, Hospital de Pediatría Garrahan
Classification: Benign. Last evaluated: 2023-11-14. Review status: criteria provided, single submitter. Criteria: ACMG Guidelines, 2015. Collection method: clinical testing. Allele origin: germline. Affected: no. Observed: 85 variant alleles.
Comment: This variant is classified as Benign based on local population frequency. This variant was detected in 89% of patients studied by a panel of primary immunodeficiencies. Number of patients: 85. Only high quality variants are reported.

Genome-Nilou Lab
Classification: Benign for Pityriasis rubra pilaris. Last evaluated: 2021-07-14. Review status: criteria provided, single submitter. Criteria: ACMG Guidelines, 2015. Collection method: clinical testing. Allele origin: germline. Affected: no.

Genome-Nilou Lab
Classification: Benign for Psoriasis 2. Last evaluated: 2021-07-14. Review status: criteria provided, single submitter. Criteria: ACMG Guidelines, 2015. Collection method: clinical testing. Allele origin: germline. Affected: no.

GeneDx
Classification: Benign. Last evaluated: 2018-07-09. Review status: criteria provided, single submitter. Criteria: GeneDx Variant Classification Process June 2021. Collection method: clinical testing. Allele origin: germline. Affected: yes.

Breakthrough Genomics
Classification: Benign. Review status: criteria provided, single submitter. Criteria: ACMG Guidelines, 2015. Collection method: not provided. Allele origin: germline. Inheritance: Autosomal dominant inheritance. Affected: yes.

Clinical Genomics, Uppaluri K&H Personalized Medicine Clinic
Classification: Uncertain significance for Pityriasis rubra pilaris. Review status: criteria provided, single submitter. Criteria: K &amp; H Uppaluri Personalized Medicine Clinic Variant Classification &amp; Assertion Criteria_Updated V.1. Collection method: clinical testing. Allele origin: germline. Inheritance: Autosomal dominant inheritance. Affected: yes. Observed: 1 homozygote.
Comment: CARD14 is a scaffold protein that mediates NF-κB signal transduction in skin keratinocytes. Potent mutations in Card14 have been shown to be associated with familial pustular psoriasis and other cutaneous inflammatory conditions like Pytriasis rubra pilaris. However, the role of rs4889991 is yet to be ascertained.

Literature cited by the submitters: PubMed 31971603 (cited by Clinical Genomics, Uppaluri K&H Personalized Medicine Clinic); PubMed 22521419 (cited by Clinical Genomics, Uppaluri K&H Personalized Medicine Clinic); PubMed 26203641 (cited by Clinical Genomics, Uppaluri K&H Personalized Medicine Clinic); PubMed 36221432 (cited by Clinical Genomics, Uppaluri K&H Personalized Medicine Clinic); PubMed 36174714 (cited by Clinical Genomics, Uppaluri K&H Personalized Medicine Clinic).

NM_001366385.1(CARD14):c.675+26G>A

Gene: CARD14 (caspase recruitment domain family member 14; plus strand). Cytogenetic location: 17q25.3.
Variant type: single nucleotide variant.
Coding change: c.675+26G>A on transcript NM_001366385.1 (MANE Select); 26 bases into the intron after coding-DNA position 675, G replaced by A.
Molecular consequence: intron variant.
Genome position (GRCh38, 1-based): chr17:80,184,264, G>A. VCF-style: chr17-80184264-G-A. GRCh37 (hg19) VCF-style: chr17-78158063-G-A.
Other names: c.675+26G>A (NM_024110.4, NM_001257970.1).
Identifiers: ClinVar variation 1192693 (VCV001192693.7), dbSNP rs4889991, ClinGen allele CA8816474.